The following is an entry in ClinVar:

NM_000088.4(COL1A1):c.454C>A (p.Pro152Thr)

Gene: COL1A1 (collagen type I alpha 1 chain; minus strand). Cytogenetic location: 17q21.33.
Variant type: single nucleotide variant.
Coding change: c.454C>A on transcript NM_000088.4 (MANE Select); coding-DNA position 454, C replaced by A.
Protein change: p.Pro152Thr; replaces proline 152 with threonine.
Molecular consequence: missense variant.
Genome position (GRCh38, 1-based): chr17:50,199,243, G>T on the plus strand (C>A on the coding strand, the complement: COL1A1 is on the minus strand). VCF-style: chr17-50199243-G-T. GRCh37 (hg19) VCF-style: chr17-48276604-G-T.
Other names: c.454C>A (NM_000088.3); short protein forms P152T.
Identifiers: ClinVar variation 1427842 (VCV001427842.11), dbSNP rs1221734311, ClinGen allele CA400227288.
Genomic context (GRCh38, chr17:50,199,243, plus strand): 5'-AACAAAACAGGGGAGAGTGGACACACAAGGCCTCTCCACTTACTCCTCCGAGGCCAGGGG[G>T]TCCGGGAGGTCCGGGGGGTCCGGGGGGTCCGGGAAGTCCAGGCTGTCCAGGGATGCCATC-3'
Protein context (NP_000079.2, residues 142-162): GPPGPPGPPG[Pro152Thr]PGLGGNFAPQ

ClinVar aggregate classification (germline): Uncertain significance. Review status: criteria provided, multiple submitters, no conflicts (2 of 4 stars). 3 submissions from 3 submitters: Uncertain significance (3). Last evaluated 2026-02-06.

Conditions:
Osteogenesis imperfecta type I (OI1). Also called: Osteogenesis imperfecta type 1; Lobstein disease; Classic Non-deforming Osteogenesis Imperfecta with Blue Sclerae; OI, TYPE I; OSTEOGENESIS IMPERFECTA TARDA; OSTEOGENESIS IMPERFECTA WITH BLUE SCLERAE. Identifiers: Orphanet 216796, Orphanet 666, MedGen C0023931, MONDO:0008146, OMIM 166200. Disease mechanism: loss of function.
Cardiovascular phenotype. Identifiers: MedGen CN230736.

Allele frequency attached by ClinVar (database versions not stated): gnomAD exomes 0.00002; TOPMed below 0.00001.
gnomAD v4.1: 24 of 1,474,254 alleles (0.0016%); highest among the groups gnomAD compares: Non-Finnish European, 0.0021%; no homozygotes.

Submissions (3):

GeneDx
Classification: Uncertain significance. Last evaluated: 2026-02-06. Review status: criteria provided, single submitter. Criteria: GeneDx Variant Classification Process June 2021. Collection method: clinical testing. Allele origin: germline.
Comment: Has not been previously published as pathogenic or benign to our knowledge; Not observed at significant frequency in large population cohorts (gnomAD); Not located in the triple helical region, where the majority of pathogenic missense variants occur (HGMD); In silico analysis supports that this missense variant has a deleterious effect on protein structure/function

Labcorp Genetics (formerly Invitae), Labcorp
Classification: Uncertain significance for Osteogenesis imperfecta type I. Last evaluated: 2026-01-20. Review status: criteria provided, single submitter. Criteria: Invitae Variant Classification Sherloc (09022015). Collection method: clinical testing. Allele origin: germline.
Comment: This sequence change replaces proline, which is neutral and non-polar, with threonine, which is neutral and polar, at codon 152 of the COL1A1 protein (p.Pro152Thr). This variant is not present in population databases (gnomAD no frequency). This variant has not been reported in the literature in individuals affected with COL1A1-related conditions. ClinVar contains an entry for this variant (Variation ID: 1427842). Invitae Evidence Modeling of protein sequence and biophysical properties (such as structural, functional, and spatial information, amino acid conservation, physicochemical variation, residue mobility, and thermodynamic stability) has been performed for this missense variant. However, the output from this modeling did not meet the statistical confidence thresholds required to predict the impact of this variant on COL1A1 protein function. In summary, the available evidence is currently insufficient to determine the role of this variant in disease. Therefore, it has been classified as a Variant of Uncertain Significance.

Ambry Genetics
Classification: Uncertain significance for Cardiovascular phenotype. Last evaluated: 2025-04-01. Review status: criteria provided, single submitter. Criteria: Ambry Variant Classification Scheme 2023. Collection method: clinical testing. Allele origin: germline.
Comment: The p.P152T variant (also known as c.454C>A), located in coding exon 5 of the COL1A1 gene, results from a C to A substitution at nucleotide position 454. The proline at codon 152 is replaced by threonine, an amino acid with highly similar properties. This amino acid position is highly conserved in available vertebrate species. In addition, the in silico prediction for this alteration is inconclusive. Based on the available evidence, the clinical significance of this variant remains unclear.